The following is an entry in ClinVar:

NM_000512.5(GALNS):c.121-208A>G

Gene: GALNS (galactosamine (N-acetyl)-6-sulfatase; minus strand). Cytogenetic location: 16q24.3.
Variant type: single nucleotide variant.
Coding change: c.121-208A>G on transcript NM_000512.5 (MANE Select); 208 bases into the intron before coding-DNA position 121, A replaced by G.
Molecular consequence: intron variant. On other transcripts: missense variant (1).
Genome position (GRCh38, 1-based): chr16:88,843,037, T>C on the plus strand (A>G on the coding strand, the complement: GALNS is on the minus strand). VCF-style: chr16-88843037-T-C. GRCh37 (hg19) VCF-style: chr16-88909445-T-C.
Other names: c.131A>G, p.Asp44Gly (NM_001323544.2); c.-311-1066A>G (NM_001323543.2); c.131A>G (NM_001323544.1); short protein forms D44G.
Identifiers: ClinVar variation 1226873 (VCV001226873.6), dbSNP rs28493584, ClinGen allele CA8235304.

ClinVar aggregate classification (germline): Benign. Review status: criteria provided, multiple submitters, no conflicts (2 of 4 stars). 3 submissions from 3 submitters: Benign (2). 1 of the submissions does not count toward it. Last evaluated 2018-07-15.

Conditions:
GALNS-related disorder. Also called: GALNS-related condition.

Allele frequency attached by ClinVar (database versions not stated): gnomAD exomes 0.00433 and 0.00901; ExAC 0.00909; 1000 Genomes Project 0.04393; gnomAD 0.04394 and 0.04733; 1000 Genomes Project 30x 0.04622; TOPMed 0.04982.
gnomAD v4.1: 12,948 of 1,526,152 alleles (0.85%); highest among the groups gnomAD compares: African/African-American, 16%; 921 homozygotes.

Submissions (3):

GeneDx
Classification: Benign. Last evaluated: 2018-07-15. Review status: criteria provided, single submitter. Criteria: GeneDx Variant Classification Process June 2021. Collection method: clinical testing. Allele origin: germline. Affected: yes.

Breakthrough Genomics
Classification: Benign. Review status: criteria provided, single submitter. Criteria: ACMG Guidelines, 2015. Collection method: not provided. Allele origin: germline. Inheritance: Autosomal recessive inheritance. Affected: yes.

PreventionGenetics, part of Exact Sciences
Classification: Benign for GALNS-related condition. Last evaluated: 2019-05-15. Review status: no assertion criteria provided. Collection method: clinical testing. Allele origin: germline. Not counted in ClinVar's aggregate classification.
Comment: This variant is classified as benign based on ACMG/AMP sequence variant interpretation guidelines (Richards et al. 2015 PMID: 25741868, with internal and published modifications).